The following is an entry in ClinVar:

ClinVar aggregate classification (germline): Pathogenic (1 of 4 stars; one submission).

Conditions:
Hereditary cancer-predisposing syndrome. Also called: Neoplastic Syndromes, Hereditary; Tumor predisposition; Hereditary Cancer Syndrome; Hereditary neoplastic syndrome. Identifiers: Orphanet 140162, MedGen C0027672, MeSH D009386, MONDO:0015356.

Submission:

Ambry Genetics
Classification: Pathogenic for Hereditary cancer-predisposing syndrome. Last evaluated: 2021-02-03. Review status: criteria provided, single submitter. Criteria: Ambry Variant Classification Scheme 2023. Collection method: clinical testing. Allele origin: germline.
Comment: The p.Y302* pathogenic mutation (also known as c.906C>A), located in coding exon 7 of the CDH1 gene, results from a C to A substitution at nucleotide position 906. This changes the amino acid from a tyrosine to a stop codon within coding exon 7. This alteration is expected to result in loss of function by premature protein truncation or nonsense-mediated mRNA decay. As such, this alteration is interpreted as a disease-causing mutation.

NM_004360.5(CDH1):c.906C>A (p.Tyr302Ter)

Gene: CDH1 (cadherin 1; plus strand). Cytogenetic location: 16q22.1.
Variant type: single nucleotide variant.
Coding change: c.906C>A on transcript NM_004360.5 (MANE Select); coding-DNA position 906, C replaced by A.
Protein change: p.Tyr302Ter; replaces tyrosine 302 with a stop codon.
Molecular consequence: nonsense. On other transcripts: 5 prime UTR variant (2).
Genome position (GRCh38, 1-based): chr16:68,811,757, C>A. VCF-style: chr16-68811757-C-A. GRCh37 (hg19) VCF-style: chr16-68845660-C-A.
Other names: c.906C>A, p.Tyr302Ter (NM_001317184.2); c.-710C>A (NM_001317185.2); c.-914C>A (NM_001317186.2); short protein forms Y302*.
Identifiers: ClinVar variation 1765651 (VCV001765651.2), dbSNP rs370197479, ClinGen allele CA396459688.